The following is an entry in ClinVar:

NM_006231.4(POLE):c.6767del (p.Gly2256fs)

Gene: POLE (DNA polymerase epsilon, catalytic subunit; minus strand). Cytogenetic location: 12q24.33.
Variant type: Deletion.
Coding change: c.6767del on transcript NM_006231.4 (MANE Select); coding-DNA position 6767, one base deleted (G; older notation c.6767delG).
Protein change: p.Gly2256fs; shifts the reading frame from glycine 2256.
Molecular consequence: frameshift variant.
Genome position (GRCh38, 1-based): chr12:132,624,791, C deleted on the plus strand (G on the coding strand, the reverse complement: POLE is on the minus strand); the first of 2 consecutive C bases (chr12:132,624,791-132,624,792); deleting either gives the same sequence. VCF-style (leftmost placement, unchanged base first): chr12-132624790-TC-T. GRCh37 (hg19) VCF-style: chr12-133201376-TC-T.
Other names: short protein forms G2256fs.
Identifiers: ClinVar variation 4862323 (VCV004862323.1).
Genomic context (GRCh38, chr12:132,624,790, plus strand): 5'-CCACTCCAGGGTCTCCAGGAGGTACGACATGCCGTAGTGCTGGGCAATGTTCCGGAATAT[TC>T]CGATCTGTTCCATGAAGACCTGCAGGAATAAACAGGCACAGTGAGACCCCAGTCCACTCA-3'

ClinVar aggregate classification (germline): Uncertain significance (1 of 4 stars; one submission).

Conditions:
Hereditary cancer-predisposing syndrome. Also called: Neoplastic Syndromes, Hereditary; Tumor predisposition; Hereditary Cancer Syndrome; Hereditary neoplastic syndrome. Identifiers: Orphanet 140162, MedGen C0027672, MeSH D009386, MONDO:0015356.

Submission:

Ambry Genetics
Classification: Uncertain significance for Hereditary cancer-predisposing syndrome. Last evaluated: 2026-05-28. Review status: criteria provided, single submitter. Criteria: Ambry Variant Classification Scheme 2023. Collection method: clinical testing. Allele origin: germline.
Comment: The c.6767delG variant, located in coding exon 49 of the POLE gene, results from a deletion of one nucleotide at nucleotide position 6767, causing a translational frameshift with a predicted alternate stop codon (p.G2256Efs*70). This variant occurs at the 3' terminus of the gene, is not expected to trigger nonsense-mediated mRNAdecay and results in the elongation of the protein by 38 amino acids. This frameshift impacts the last 1.6%amino acids of the native protein. The exact functional effect of the altered amino acids is unknown. Based on the available evidence, the clinical significance of this variant remains unclear.